The following is an entry in ClinVar:

ClinVar aggregate classification (germline): Uncertain significance. Review status: criteria provided, multiple submitters, no conflicts (2 of 4 stars). 3 submissions from 3 submitters: Uncertain significance (3). Last evaluated 2025-12-19.

Conditions:
Inborn genetic diseases. Identifiers: MedGen C0950123, MeSH D030342.
Hereditary sensory and autonomic neuropathy type 7. Also called: HSAN VII; Neuropathy, hereditary sensory and autonomic, type VII. Identifiers: Orphanet 391397, MedGen C3809882, MONDO:0014244, OMIM 615548.
Familial episodic pain syndrome with predominantly lower limb involvement. Also called: Episodic pain syndrome, familial, 3. Identifiers: Orphanet 391384, Orphanet 391392, MedGen C3809899, MONDO:0014247, OMIM 615552.

Allele frequency attached by ClinVar (database versions not stated): gnomAD 0.00002 and 0.00003; TOPMed 0.00002; ESP Exome Variant Server 0.00023.
gnomAD v4.1: 40 of 1,613,212 alleles (0.0025%); highest among the groups gnomAD compares: Non-Finnish European, 0.0032%; no homozygotes.

Submissions (3):

Ambry Genetics
Classification: Uncertain significance for Inborn genetic diseases. Last evaluated: 2025-12-19. Review status: criteria provided, single submitter. Criteria: Ambry Variant Classification Scheme 2023. Collection method: clinical testing. Allele origin: germline.

Labcorp Genetics (formerly Invitae), Labcorp
Classification: Uncertain significance for Familial episodic pain syndrome with predominantly lower limb involvement; Hereditary sensory and autonomic neuropathy type 7. Last evaluated: 2024-08-27. Review status: criteria provided, single submitter. Criteria: Invitae Variant Classification Sherloc (09022015). Collection method: clinical testing. Allele origin: germline.
Comment: This sequence change replaces arginine, which is basic and polar, with serine, which is neutral and polar, at codon 60 of the SCN11A protein (p.Arg60Ser). This variant is present in population databases (rs149547996, gnomAD 0.0009%). This variant has not been reported in the literature in individuals affected with SCN11A-related conditions. ClinVar contains an entry for this variant (Variation ID: 450384). Invitae Evidence Modeling of protein sequence and biophysical properties (such as structural, functional, and spatial information, amino acid conservation, physicochemical variation, residue mobility, and thermodynamic stability) indicates that this missense variant is not expected to disrupt SCN11A protein function with a negative predictive value of 80%. In summary, the available evidence is currently insufficient to determine the role of this variant in disease. Therefore, it has been classified as a Variant of Uncertain Significance.

GeneDx
Classification: Uncertain significance. Last evaluated: 2024-06-04. Review status: criteria provided, single submitter. Criteria: GeneDx Variant Classification Process June 2021. Collection method: clinical testing. Allele origin: germline. Affected: yes.
Comment: Not observed at significant frequency in large population cohorts (gnomAD); In silico analysis supports that this missense variant has a deleterious effect on protein structure/function; Has not been previously published as pathogenic or benign to our knowledge

NM_001349253.2(SCN11A):c.180G>T (p.Arg60Ser)

Gene: SCN11A (sodium voltage-gated channel alpha subunit 11; minus strand). Cytogenetic location: 3p22.2.
Variant type: single nucleotide variant.
Coding change: c.180G>T on transcript NM_001349253.2 (MANE Select); coding-DNA position 180, G replaced by T.
Protein change: p.Arg60Ser; replaces arginine 60 with serine.
Molecular consequence: missense variant.
Genome position (GRCh38, 1-based): chr3:38,950,183, C>A on the plus strand (G>T on the coding strand, the complement: SCN11A is on the minus strand). VCF-style: chr3-38950183-C-A. GRCh37 (hg19) VCF-style: chr3-38991674-C-A.
Other names: c.180G>T, p.Arg60Ser (NM_014139.3); short protein forms R60S.
Identifiers: ClinVar variation 450384 (VCV000450384.8), dbSNP rs149547996, ClinGen allele CA2322756.